The following is an entry in ClinVar:

ClinVar aggregate classification (germline): Benign. Review status: criteria provided, single submitter (1 of 4 stars). 3 submissions from 1 submitter: Benign (3). Last evaluated 2018-01-13.

Conditions:
Pallister-Hall syndrome (PHS). Also called: HYPOTHALAMIC HAMARTOBLASTOMA, HYPOPITUITARISM, IMPERFORATE ANUS, AND POSTAXIAL POLYDACTYLY; GLI3-Related Pallister-Hall Syndrome. Identifiers: Orphanet 672, MedGen C0265220, MONDO:0007804, OMIM 146510.
Greig cephalopolysyndactyly syndrome (GCPS). Also called: POLYSYNDACTYLY WITH PECULIAR SKULL SHAPE; Greig syndrome; GLI3-Related Greig Cephalopolysyndactyly Syndrome. Identifiers: Orphanet 380, MedGen C0265306, MONDO:0008287, OMIM 175700.
Polydactyly. Also called: polydactylism. Identifiers: MedGen C0152427, MONDO:0021003, OMIM 603596, HP:0010442.

Allele frequency attached by ClinVar (database versions not stated): 1000 Genomes Project 30x 0.01843; gnomAD exomes 0.01880; 1000 Genomes Project 0.01957; TOPMed 0.03263; gnomAD 0.03484 and 0.03496.
gnomAD v4.1: 5,317 of 152,564 alleles (3.5%); highest among the groups gnomAD compares: Non-Finnish European, 5.3%; 106 homozygotes.

Submissions (3):

Illumina Laboratory Services, Illumina
Classification: Benign for Pallister-Hall syndrome. Last evaluated: 2018-01-13. Review status: criteria provided, single submitter. Criteria: ICSL Variant Classification Criteria 13 December 2019. Collection method: clinical testing. Allele origin: germline.
Comment: This variant was observed in the ICSL laboratory as part of a predisposition screen in an ostensibly healthy population. It had not been previously curated by ICSL or reported in the Human Gene Mutation Database (HGMD: prior to June 1st, 2018), and was therefore a candidate for classification through an automated scoring system. Utilizing variant allele frequency, disease prevalence and penetrance estimates, and inheritance mode, an automated score was calculated to assess if this variant is too frequent to cause the disease. Based on the score and internal cut-off values, a variant classified as benign is not then subjected to further curation. The score for this variant resulted in a classification of benign for this disease.

Illumina Laboratory Services, Illumina
Classification: Benign for Polydactyly. Last evaluated: 2018-01-13. Review status: criteria provided, single submitter. Criteria: ICSL Variant Classification Criteria 13 December 2019. Collection method: clinical testing. Allele origin: germline.
Comment: the same text as in the submission from Illumina Laboratory Services, Illumina above.

Illumina Laboratory Services, Illumina
Classification: Benign for Greig cephalopolysyndactyly syndrome. Last evaluated: 2018-01-13. Review status: criteria provided, single submitter. Criteria: ICSL Variant Classification Criteria 13 December 2019. Collection method: clinical testing. Allele origin: germline.
Comment: the same text as in the submission from Illumina Laboratory Services, Illumina above.

NM_000168.6(GLI3):c.*655A>G

Gene: GLI3 (GLI family zinc finger 3; minus strand). Cytogenetic location: 7p14.1.
Variant type: single nucleotide variant.
Coding change: c.*655A>G on transcript NM_000168.6 (MANE Select); 655 bases downstream of the stop codon, A replaced by G.
Molecular consequence: 3 prime UTR variant.
Genome position (GRCh38, 1-based): chr7:41,963,675, T>C on the plus strand (A>G on the coding strand, the complement: GLI3 is on the minus strand). VCF-style: chr7-41963675-T-C. GRCh37 (hg19) VCF-style: chr7-42003273-T-C.
Identifiers: ClinVar variation 360206 (VCV000360206.5), dbSNP rs77197280, ClinGen allele CA10623976.